The following is an entry in ClinVar:

ClinVar aggregate classification (germline): Pathogenic (1 of 4 stars; one submission).

Conditions:
Dilated cardiomyopathy 1O (CMD1O). Also called: CARDIOMYOPATHY, DILATED, WITH VENTRICULAR TACHYCARDIA. Identifiers: Orphanet 154, MedGen C1837839, MONDO:0012062, OMIM 608569.

gnomAD v4.1: 1 of 1,612,166 alleles (0.000062%); highest among the groups gnomAD compares: South Asian, 0.0011%; no homozygotes.

Submission:

Labcorp Genetics (formerly Invitae), Labcorp
Classification: Pathogenic for Dilated cardiomyopathy 1O. Last evaluated: 2025-02-06. Review status: criteria provided, single submitter. Criteria: Invitae Variant Classification Sherloc (09022015). Collection method: clinical testing. Allele origin: germline.
Comment: This sequence change creates a premature translational stop signal (p.Tyr193*) in the ABCC9 gene. It is expected to result in an absent or disrupted protein product. Loss-of-function variants in ABCC9 are known to be pathogenic (PMID: 31575858, 38217872). This variant is not present in population databases (gnomAD no frequency). This variant has not been reported in the literature in individuals affected with ABCC9-related conditions. For these reasons, this variant has been classified as Pathogenic.

Literature cited by the submitters: PubMed 31575858; PubMed 38217872.

NM_020297.4(ABCC9):c.579T>A (p.Tyr193Ter)

Gene: ABCC9 (ATP binding cassette subfamily C member 9; minus strand). Cytogenetic location: 12p12.1.
Variant type: single nucleotide variant.
Coding change: c.579T>A on transcript NM_020297.4 (MANE Select); coding-DNA position 579, T replaced by A.
Protein change: p.Tyr193Ter; replaces tyrosine 193 with a stop codon.
Molecular consequence: nonsense. On other transcripts: intron variant (1).
Genome position (GRCh38, 1-based): chr12:21,915,905, A>T on the plus strand (T>A on the coding strand, the complement: ABCC9 is on the minus strand). VCF-style: chr12-21915905-A-T. GRCh37 (hg19) VCF-style: chr12-22068839-A-T.
Other names: c.579T>A, p.Tyr193Ter (NM_001377273.1, NM_005691.4); c.-48-2839T>A (NM_001377274.1); short protein forms Y193*.
Identifiers: ClinVar variation 4801239 (VCV004801239.1).
Genomic context (GRCh38, chr12:21,915,905, plus strand): 5'-CACTCCCAGATCCTGGAGGTCTTCAGGAGGCTTTACTTTCTGAGGATTCATGAAAAATAC[A>T]TATCTCTGTGGCAAGAAAAATTCCACAGTATAACAATTAGTCCAATTATTTTCCACATAT-3'